The following is an entry in ClinVar:

ClinVar aggregate classification (germline): Uncertain significance (1 of 4 stars; one submission).

Submission:

Labcorp Genetics (formerly Invitae), Labcorp
Classification: Uncertain significance. Last evaluated: 2022-11-23. Review status: criteria provided, single submitter. Criteria: Invitae Variant Classification Sherloc (09022015). Collection method: clinical testing. Allele origin: germline.
Comment: This sequence change replaces isoleucine, which is neutral and non-polar, with phenylalanine, which is neutral and non-polar, at codon 293 of the POLE protein (p.Ile293Phe). This variant is not present in population databases (gnomAD no frequency). This variant has not been reported in the literature in individuals affected with POLE-related conditions. Advanced modeling of protein sequence and biophysical properties (such as structural, functional, and spatial information, amino acid conservation, physicochemical variation, residue mobility, and thermodynamic stability) performed at Invitae indicates that this missense variant is expected to disrupt POLE protein function. In summary, the available evidence is currently insufficient to determine the role of this variant in disease. Therefore, it has been classified as a Variant of Uncertain Significance.

NM_006231.4(POLE):c.877A>T (p.Ile293Phe)

Gene: POLE (DNA polymerase epsilon, catalytic subunit; minus strand). Cytogenetic location: 12q24.33.
Variant type: single nucleotide variant.
Coding change: c.877A>T on transcript NM_006231.4 (MANE Select); coding-DNA position 877, A replaced by T.
Protein change: p.Ile293Phe; replaces isoleucine 293 with phenylalanine.
Molecular consequence: missense variant.
Genome position (GRCh38, 1-based): chr12:132,676,578, T>A on the plus strand (A>T on the coding strand, the complement: POLE is on the minus strand). VCF-style: chr12-132676578-T-A. GRCh37 (hg19) VCF-style: chr12-133253164-T-A.
Other names: short protein forms I293F.
Identifiers: ClinVar variation 2816060 (VCV002816060.3), dbSNP rs2136015689, ClinGen allele CA387364232.
Genomic context (GRCh38, chr12:132,676,578, plus strand): 5'-GCTTACTTCCCAGAAGCCACCTGCTCACCTGGCCATCGATCATGTAGGAAATCATCATAA[T>A]CTGGTCTGTCTCAGCATCAGGAAACTTGAGGGGCAGTTTGGTCGTCTCAATGTCAAATGC-3'
Protein context (NP_006222.2, residues 283-303): LKFPDAETDQ[Ile293Phe]MMISYMIDGQ